The following is an entry in ClinVar:

ClinVar aggregate classification (germline): Uncertain significance. Review status: criteria provided, multiple submitters, no conflicts (2 of 4 stars). 2 submissions from 2 submitters: Uncertain significance (2). Last evaluated 2023-11-15.

Conditions:
Neurofibromatosis, type 1 (NF1). Also called: NEUROFIBROMATOSIS, TYPE I, SOMATIC; Neurofibromatosis, type I; Peripheral type neurofibromatosis; VON RECKLINGHAUSEN DISEASE. Identifiers: Orphanet 636, MedGen C0027831, MONDO:0018975, OMIM 162200. Disease mechanism: loss of function.
Cardiovascular phenotype. Identifiers: MedGen CN230736.
Hereditary cancer-predisposing syndrome. Also called: Hereditary Cancer Syndrome; Hereditary neoplastic syndrome; Neoplastic Syndromes, Hereditary; Tumor predisposition. Identifiers: Orphanet 140162, MedGen C0027672, MeSH D009386, MONDO:0015356.

Allele frequency attached by ClinVar (database versions not stated): gnomAD exomes below 0.00001; TOPMed below 0.00001; gnomAD 0.00001.
gnomAD v4.1: 2 of 1,608,584 alleles (0.00012%); highest among the groups gnomAD compares: Non-Finnish European, 0.00017%; no homozygotes.

Submissions (2):

Ambry Genetics
Classification: Uncertain significance for Cardiovascular phenotype; Hereditary cancer-predisposing syndrome. Last evaluated: 2023-11-15. Review status: criteria provided, single submitter. Criteria: Ambry Variant Classification Scheme 2023. Collection method: clinical testing. Allele origin: germline.
Comment: The p.E1089G variant (also known as c.3266A>G), located in coding exon 25 of the NF1 gene, results from an A to G substitution at nucleotide position 3266. The glutamic acid at codon 1089 is replaced by glycine, an amino acid with similar properties. This amino acid position is conserved. In addition, the in silico prediction for this alteration is inconclusive. Since supporting evidence is limited at this time, the clinical significance of this alteration remains unclear.

Labcorp Genetics (formerly Invitae), Labcorp
Classification: Uncertain significance for Neurofibromatosis, type 1. Last evaluated: 2023-02-08. Review status: criteria provided, single submitter. Criteria: Invitae Variant Classification Sherloc (09022015). Collection method: clinical testing. Allele origin: germline.
Comment: This sequence change replaces glutamic acid, which is acidic and polar, with glycine, which is neutral and non-polar, at codon 1089 of the NF1 protein (p.Glu1089Gly). This variant is not present in population databases (gnomAD no frequency). This variant has not been reported in the literature in individuals affected with NF1-related conditions. Advanced modeling of protein sequence and biophysical properties (such as structural, functional, and spatial information, amino acid conservation, physicochemical variation, residue mobility, and thermodynamic stability) performed at Invitae indicates that this missense variant is expected to disrupt NF1 protein function. In summary, the available evidence is currently insufficient to determine the role of this variant in disease. Therefore, it has been classified as a Variant of Uncertain Significance.

NM_001042492.3(NF1):c.3266A>G (p.Glu1089Gly)

Gene: NF1 (neurofibromin 1; plus strand). Cytogenetic location: 17q11.2.
Variant type: single nucleotide variant.
Coding change: c.3266A>G on transcript NM_001042492.3 (MANE Select); coding-DNA position 3266, A replaced by G.
Protein change: p.Glu1089Gly; replaces glutamic acid 1089 with glycine.
Molecular consequence: missense variant.
Genome position (GRCh38, 1-based): chr17:31,232,141, A>G. VCF-style: chr17-31232141-A-G. GRCh37 (hg19) VCF-style: chr17-29559159-A-G.
Other names: c.3266A>G, p.Glu1089Gly (NM_000267.4); short protein forms E1089G.
Identifiers: ClinVar variation 2995588 (VCV002995588.4), dbSNP rs2067123591, ClinGen allele CA398988832.